The following is an entry in ClinVar:

ClinVar aggregate classification (germline): Uncertain significance. Review status: criteria provided, multiple submitters, no conflicts (2 of 4 stars). 5 submissions from 5 submitters: Uncertain significance (5). Last evaluated 2025-04-11.

Conditions:
Neurofibromatosis, type 2 (SWNV). Also called: BILATERAL ACOUSTIC NEUROFIBROMATOSIS; SCHWANNOMATOSIS, VESTIBULAR; NF2-Related Schwannomatosis. Identifiers: Orphanet 637, MedGen C0027832, MONDO:0007039, OMIM 101000. Disease mechanism: loss of function.
Hereditary cancer-predisposing syndrome. Also called: Tumor predisposition; Hereditary Cancer Syndrome; Hereditary neoplastic syndrome; Neoplastic Syndromes, Hereditary. Identifiers: Orphanet 140162, MedGen C0027672, MeSH D009386, MONDO:0015356.

Allele frequency attached by ClinVar (database versions not stated): gnomAD 0.00001; TOPMed 0.00001.
gnomAD v4.1: 4 of 1,614,014 alleles (0.00025%); highest among the groups gnomAD compares: African/African-American, 0.0053%; no homozygotes.

Submissions (5):

Labcorp Genetics (formerly Invitae), Labcorp
Classification: Uncertain significance for Neurofibromatosis, type 2. Last evaluated: 2025-04-11. Review status: criteria provided, single submitter. Criteria: Invitae Variant Classification Sherloc (09022015). Collection method: clinical testing. Allele origin: germline.
Comment: This sequence change replaces proline, which is neutral and non-polar, with leucine, which is neutral and non-polar, at codon 488 of the NF2 protein (p.Pro488Leu). This variant is present in population databases (no rsID available, gnomAD 0.01%). This variant has not been reported in the literature in individuals affected with NF2-related conditions. ClinVar contains an entry for this variant (Variation ID: 819284). An algorithm developed to predict the effect of missense changes on protein structure and function (PolyPhen-2) suggests that this variant is likely to be tolerated. In summary, the available evidence is currently insufficient to determine the role of this variant in disease. Therefore, it has been classified as a Variant of Uncertain Significance.

Ambry Genetics
Classification: Uncertain significance for Hereditary cancer-predisposing syndrome. Last evaluated: 2024-10-04. Review status: criteria provided, single submitter. Criteria: Ambry Variant Classification Scheme 2023. Collection method: clinical testing. Allele origin: germline.
Comment: The p.P488L variant (also known as c.1463C>T), located in coding exon 14 of the NF2 gene, results from a C to T substitution at nucleotide position 1463. The proline at codon 488 is replaced by leucine, an amino acid with similar properties. This amino acid position is not well conserved in available vertebrate species. In addition, the in silico prediction for this alteration is inconclusive. Since supporting evidence is limited at this time, the clinical significance of this alteration remains unclear.

All of Us Research Program, National Institutes of Health
Classification: Uncertain significance for Neurofibromatosis, type 2. Last evaluated: 2023-05-31. Review status: criteria provided, single submitter. Criteria: ACMG Guidelines, 2015. Collection method: clinical testing. Allele origin: germline. Inheritance: Autosomal dominant inheritance. Observed: 1 variant allele, 1 heterozygote.
Comment: This study involves interpretation of variants in research participants for the purpose of population health screening. Participant phenotype was not available at the time of variant classification. Additional details can be found in publication PMID: 35346344, PMCID: PMC8962531

Genome-Nilou Lab
Classification: Uncertain significance for Neurofibromatosis, type 2. Last evaluated: 2021-11-07. Review status: criteria provided, single submitter. Criteria: ACMG Guidelines, 2015. Collection method: clinical testing. Allele origin: germline. Affected: no.

GeneDx
Classification: Uncertain significance. Last evaluated: 2020-01-03. Review status: criteria provided, single submitter. Criteria: GeneDx Variant Classification Process June 2021. Collection method: clinical testing. Allele origin: germline. Affected: yes.
Comment: In silico analysis, which includes protein predictors and evolutionary conservation, supports that this variant does not alter protein structure/function; Has not been previously published as pathogenic or benign to our knowledge

NM_000268.4(NF2):c.1463C>T (p.Pro488Leu)

Gene: NF2 (NF2, moesin-ezrin-radixin like (MERLIN) tumor suppressor; plus strand). Cytogenetic location: 22q12.2.
Variant type: single nucleotide variant.
Coding change: c.1463C>T on transcript NM_000268.4 (MANE Select); coding-DNA position 1463, C replaced by T.
Protein change: p.Pro488Leu; replaces proline 488 with leucine.
Molecular consequence: missense variant. On other transcripts: non-coding transcript variant (1), intron variant (1).
Genome position (GRCh38, 1-based): chr22:29,678,212, C>T. VCF-style: chr22-29678212-C-T. GRCh37 (hg19) VCF-style: chr22-30074201-C-T.
Other names: c.1463C>T, p.Pro488Leu (NM_016418.5, NM_181825.3, NM_181832.3); c.1337C>T, p.Pro446Leu (NM_181828.3); c.1340C>T, p.Pro447Leu (NM_181829.3); c.1214C>T, p.Pro405Leu (NM_181830.3, NM_181831.3); c.448-16540C>T (NM_181833.3); short protein forms P488L, P446L, P405L, P447L.
Identifiers: ClinVar variation 819284 (VCV000819284.15), dbSNP rs1173959854, ClinGen allele CA411149572.